The following is an entry in ClinVar:

ClinVar aggregate classification (germline): not provided (0 of 4 stars; one submission).

Conditions:
Gestational diabetes mellitus uncontrolled. Identifiers: MedGen C3532257.

Submission:

Institute of Molecular and Cell Biology, University of Tartu
No classification provided. Condition: Gestational diabetes mellitus uncontrolled. Review status: no classification provided. Collection method: case-control. Allele origin: unknown. Affected: yes. Study: Kasak2014.
Comment: The study aimed to determine the contribution of copy number variants in the genetic etiology of normal and complicated pregnancies. The samples represented (i) maternal blood DNA drawn from healthy pregnant women during 1st or 2nd trimester and (ii) maternal and paternal blood DNA drawn at term pregnancy cases representing normal and complicated gestations (severe preeclampsia, PE; gestational diabetes, GD; small-for-gestational age newborn, SGA; large-for-gestational age newborn, LGA). We performed CNV calling based on genome-wide genotyping dataset (Illumina HumanOmniExpress-24-v1 BeadChip) by applying three algorithms, QuantiSNP, GADA (Genome Alteration Detection Algorithm) and CNstream in parallel. The acquired CNV calls were merged with HD-CNV (Hotspot Detector for Copy Number Variants) program and only the CNVs predicted by at least two programs, were considered in subsequent analysis.

Literature cited by the submitters: PubMed 25666259.

NM_006258.4(PRKG1):c.479-19849_479-16034del

Gene: PRKG1 (protein kinase cGMP-dependent 1; plus strand). Cytogenetic location: 10q21.1.
Variant type: Deletion.
Coding change: c.479-19849_479-16034del on transcript NM_006258.4 (MANE Select); 19849 bases into the intron before coding-DNA position 479 through 16034 bases into the intron before coding-DNA position 479, 3,816 bases deleted.
Molecular consequence: intron variant.
Genome position (GRCh38, 1-based): chr10:51,447,874-51,451,689, 3,816 bases deleted. GRCh37 (hg19): chr10:53,207,634-53,211,449.
Other names: c.434-19849_434-16034del (LRG_1135t2, NM_001098512.3); c.479-19849_479-16034del (LRG_1135t1).
Identifiers: ClinVar variation 157166 (VCV000157166.2), ClinGen allele CA212265.